The following is an entry in ClinVar:

ClinVar aggregate classification (germline): Uncertain significance (1 of 4 stars; one submission).

Conditions:
DNMT1-related disorder. Also called: DNMT1-related condition. Identifiers: MedGen CN381527.

Submission:

PreventionGenetics, part of Exact Sciences
Classification: Uncertain significance for DNMT1-related condition. Last evaluated: 2025-09-16. Review status: criteria provided, single submitter. Criteria: ACMG Guidelines, 2015. Collection method: clinical testing. Allele origin: germline.
Comment: The DNMT1 c.1526C>T variant is predicted to result in the amino acid substitution p.Pro509Leu. To our knowledge, this variant has not been reported in the literature or in a large population database (gnomAD), indicating this variant is rare. At this time, the clinical significance of this variant is uncertain due to the absence of conclusive functional and genetic evidence.

NM_001130823.3(DNMT1):c.1526C>T (p.Pro509Leu)

Gene: DNMT1 (DNA methyltransferase 1; minus strand). Cytogenetic location: 19p13.2.
Variant type: single nucleotide variant.
Coding change: c.1526C>T on transcript NM_001130823.3 (MANE Select); coding-DNA position 1526, C replaced by T.
Protein change: p.Pro509Leu; replaces proline 509 with leucine.
Molecular consequence: missense variant.
Genome position (GRCh38, 1-based): chr19:10,155,023, G>A on the plus strand (C>T on the coding strand, the complement: DNMT1 is on the minus strand). VCF-style: chr19-10155023-G-A. GRCh37 (hg19) VCF-style: chr19-10265699-G-A.
Other names: c.1478C>T, p.Pro493Leu (NM_001318730.2, NM_001379.4); c.1163C>T, p.Pro388Leu (NM_001318731.2); short protein forms P493L, P509L, P388L.
Identifiers: ClinVar variation 4989908 (VCV004989908.1).
Genomic context (GRCh38, chr19:10,155,023, plus strand): 5'-ACCACAATCTTGCTGATGTAGATCTTCTCCTGCATCAGCCCAAATATGGGCGCATACTCG[G>A]GACTGGGATCCATCAGAATGTATTCGGCAAATGCTGGGGTGAACAGAGGAGGTGTGGAAA-3'
Protein context (NP_001124295.1, residues 499-519): FAEYILMDPS[Pro509Leu]EYAPIFGLMQ